The following is an entry in ClinVar:

ClinVar aggregate classification (germline): Uncertain significance. Review status: criteria provided, multiple submitters, no conflicts (2 of 4 stars). 3 submissions from 3 submitters: Uncertain significance (3). Last evaluated 2023-04-20.

Conditions:
Cardiovascular phenotype. Identifiers: MedGen CN230736.
Long QT syndrome 10 (LQT10). Identifiers: Orphanet 101016, Orphanet 768, MedGen C2678484, MONDO:0012737, OMIM 611819.

Allele frequency attached by ClinVar (database versions not stated): TOPMed below 0.00001; gnomAD exomes 0.00002 and 0.00004; ExAC 0.00003.
gnomAD v4.1: 54 of 1,612,246 alleles (0.0033%); highest among the groups gnomAD compares: Non-Finnish European, 0.0045%; no homozygotes.

Submissions (3):

Ambry Genetics
Classification: Uncertain significance for Cardiovascular phenotype. Last evaluated: 2023-04-20. Review status: criteria provided, single submitter. Criteria: Ambry Variant Classification Scheme 2023. Collection method: clinical testing. Allele origin: germline.
Comment: The p.A12T variant (also known as c.34G>A), located in coding exon 1 of the SCN4B gene, results from a G to A substitution at nucleotide position 34. The alanine at codon 12 is replaced by threonine, an amino acid with similar properties. This amino acid position is highly conserved in available vertebrate species. In addition, the in silico prediction for this alteration is inconclusive. The evidence for this gene-disease relationship is limited; therefore, the clinical significance of this alteration is unclear.

Labcorp Genetics (formerly Invitae), Labcorp
Classification: Uncertain significance for Long QT syndrome 10. Last evaluated: 2022-04-04. Review status: criteria provided, single submitter. Criteria: Invitae Variant Classification Sherloc (09022015). Collection method: clinical testing. Allele origin: germline.
Comment: This sequence change replaces alanine, which is neutral and non-polar, with threonine, which is neutral and polar, at codon 12 of the SCN4B protein (p.Ala12Thr). This variant is present in population databases (rs752598271, gnomAD 0.003%). This variant has not been reported in the literature in individuals affected with SCN4B-related conditions. ClinVar contains an entry for this variant (Variation ID: 190897). Algorithms developed to predict the effect of missense changes on protein structure and function (SIFT, PolyPhen-2, Align-GVGD) all suggest that this variant is likely to be tolerated. In summary, the available evidence is currently insufficient to determine the role of this variant in disease. Therefore, it has been classified as a Variant of Uncertain Significance.

GeneDx
Classification: Uncertain significance. Last evaluated: 2014-03-26. Review status: criteria provided, single submitter. Criteria: GeneDx Variant Classification (06012015). Collection method: clinical testing. Allele origin: germline. Affected: yes.
Comment: The A12T variant in the SCN4B gene has not been reported as a disease-causing mutation or as a benign polymorphism to our knowledge. A12T was not observed in approximately 6,500 individuals of European and African American ancestry in the NHLBI Exome Sequencing Project, indicating it is not a common benign variant in these populations. A12T results in a non-conservative amino acid substitution as these residues differ in polarity, charge, size and/or other properties and is more likely to impact secondary structure. However, the A12 residue is not well conserved across species, and in silico analysis predicts A12T is benign to the protein structure/function. Additionally, mutations in nearby residues have not been reported, indicating this region of the protein may tolerate change. With the clinical and molecular information available at this time, we cannot definitively determine if A12T is a disease-causing mutation or a rare benign variant. The variant is found in LQT,ARRHYTHMIA panel(s).

NM_174934.4(SCN4B):c.34G>A (p.Ala12Thr)

Gene: SCN4B (sodium voltage-gated channel beta subunit 4; minus strand). Cytogenetic location: 11q23.3.
Variant type: single nucleotide variant.
Coding change: c.34G>A on transcript NM_174934.4 (MANE Select); coding-DNA position 34, G replaced by A.
Protein change: p.Ala12Thr; replaces alanine 12 with threonine.
Molecular consequence: missense variant.
Genome position (GRCh38, 1-based): chr11:118,152,640, C>T on the plus strand (G>A on the coding strand, the complement: SCN4B is on the minus strand). VCF-style: chr11-118152640-C-T. GRCh37 (hg19) VCF-style: chr11-118023355-C-T.
Other names: p.A12T:GCG>ACG; c.34G>A, p.Ala12Thr (NM_001142348.2); short protein forms A12T.
Identifiers: ClinVar variation 190897 (VCV000190897.8), dbSNP rs752598271, ClinGen allele CA302228.
Genomic context (GRCh38, chr11:118,152,640, plus strand): 5'-GCAAGAGAAGAGACCAAGCTGGGGCTGCCTTACCCAAAAGCCCAGTGCCCAGCCATCTCG[C>T]CGGGGCTTTGCCTCCGTCCCCAGCCCCGGGCATAGTCCTGTTCTCTCCGGAGCGCGCGGG-3'
Protein context (NP_777594.1, residues 2-22): PGAGDGGKAP[Ala12Thr]RWLGTGLLGL